The following is an entry in ClinVar:

NM_002691.4(POLD1):c.2367_2368insCCTCGCCC (p.Ile790fs)

Gene: POLD1 (DNA polymerase delta 1, catalytic subunit; plus strand). Cytogenetic location: 19q13.33.
Variant type: Insertion.
Coding change: c.2367_2368insCCTCGCCC on transcript NM_002691.4 (MANE Select); coding-DNA positions 2367 to 2368, CCTCGCCC inserted.
Protein change: p.Ile790fs; shifts the reading frame from isoleucine 790.
Molecular consequence: frameshift variant. On other transcripts: non-coding transcript variant (1).
Genome position: GRCh38 VCF-style: chr19-50413852-G-GTCGCCCCC. GRCh37 (hg19) VCF-style: chr19-50917109-G-GTCGCCCCC.
Other names: c.2367_2368insCCTCGCCC, p.Ile790fs (NM_001256849.1); c.2445_2446insCCTCGCCC, p.Ile816fs (NM_001308632.1); short protein forms I816fs, I790fs.
Identifiers: ClinVar variation 3675522 (VCV003675522.2).

ClinVar aggregate classification (germline): Uncertain significance (1 of 4 stars; one submission).

Conditions:
POLD1-related polyposis and colorectal cancer syndrome (CRCS10). Also called: Colorectal cancer 10; COLORECTAL CANCER, SUSCEPTIBILITY TO, ON CHROMOSOME 19q; Colorectal cancer, susceptibility to, 10. Identifiers: Orphanet 220460, MedGen C2675481, MONDO:0012953, OMIM 612591.

Submission:

Labcorp Genetics (formerly Invitae), Labcorp
Classification: Uncertain significance for POLD1-related polyposis and colorectal cancer syndrome. Last evaluated: 2025-04-28. Review status: criteria provided, single submitter. Criteria: Invitae Variant Classification Sherloc (09022015). Collection method: clinical testing. Allele origin: germline.
Comment: This sequence change creates a premature translational stop signal (p.Ile790Profs*101) in the POLD1 gene. Missense variants that disrupt the 3'-5' exonuclease (proof-reading) activity of the POLD1 protein are associated with PPAP (polymerase proofreading–associated polyposis) (PMID: 23263490, 23447401). However, loss-of-function variants that result in an absent or severely disrupted POLD1 protein, and missense variants outside the exonuclease domain, are unlikely to be associated with PPAP. This variant is not present in population databases (gnomAD no frequency). This variant has not been reported in the literature in individuals affected with POLD1-related conditions. ClinVar contains an entry for this variant (Variation ID: 3675522). In summary, the available evidence is currently insufficient to determine the role of this variant in disease. Therefore, it has been classified as a Variant of Uncertain Significance.

Literature cited by the submitters: PubMed 23263490; PubMed 23447401.